The following is an entry in ClinVar:

NM_004990.4(MARS1):c.1460G>A (p.Arg487Gln)

Gene: MARS1 (methionyl-tRNA synthetase 1; plus strand). Cytogenetic location: 12q13.3.
Variant type: single nucleotide variant.
Coding change: c.1460G>A on transcript NM_004990.4 (MANE Select); coding-DNA position 1460, G replaced by A.
Protein change: p.Arg487Gln; replaces arginine 487 with glutamine.
Molecular consequence: missense variant.
Genome position (GRCh38, 1-based): chr12:57,511,789, G>A. VCF-style: chr12-57511789-G-A. GRCh37 (hg19) VCF-style: chr12-57905572-G-A.
Other names: c.1460G>A (NM_004990.3); short protein forms R487Q.
Identifiers: ClinVar variation 2937790 (VCV002937790.4), dbSNP rs901699325, ClinGen allele CA237767960.

ClinVar aggregate classification (germline): Uncertain significance. Review status: criteria provided, multiple submitters, no conflicts (2 of 4 stars). 2 submissions from 2 submitters: Uncertain significance (2). Last evaluated 2024-08-01.

Conditions:
Severe early-onset pulmonary alveolar proteinosis due to MARS deficiency. Also called: PULMONARY ALVEOLAR PROTEINOSIS, REUNION ISLAND; Interstitial lung and liver disease. Identifiers: Orphanet 440427, MedGen C4225400, MONDO:0014206, OMIM 615486.
Charcot-Marie-Tooth disease axonal type 2U. Also called: CHARCOT-MARIE-TOOTH NEUROPATHY, TYPE 2U; CHARCOT-MARIE-TOOTH DISEASE, AXONAL, AUTOSOMAL DOMINANT, TYPE 2U. Identifiers: Orphanet 397735, MedGen C4084821, MONDO:0014566, OMIM 616280.

Allele frequency attached by ClinVar (database versions not stated): gnomAD exomes below 0.00001; gnomAD 0.00001; TOPMed 0.00001.
gnomAD v4.1: 3 of 1,614,022 alleles (0.00019%); highest among the groups gnomAD compares: Non-Finnish European, 0.00025%; no homozygotes.

Submissions (2):

Ambry Genetics
Classification: Uncertain significance. Last evaluated: 2024-08-01. Review status: criteria provided, single submitter. Criteria: Ambry Variant Classification Scheme 2023. Collection method: clinical testing. Allele origin: germline.

Labcorp Genetics (formerly Invitae), Labcorp
Classification: Uncertain significance for Charcot-Marie-Tooth disease axonal type 2U; Severe early-onset pulmonary alveolar proteinosis due to MARS deficiency. Last evaluated: 2023-01-02. Review status: criteria provided, single submitter. Criteria: Invitae Variant Classification Sherloc (09022015). Collection method: clinical testing. Allele origin: germline.
Comment: This variant is present in population databases (no rsID available, gnomAD 0.007%). In summary, the available evidence is currently insufficient to determine the role of this variant in disease. Therefore, it has been classified as a Variant of Uncertain Significance. Algorithms developed to predict the effect of missense changes on protein structure and function are either unavailable or do not agree on the potential impact of this missense change (SIFT: "Deleterious"; PolyPhen-2: "Possibly Damaging"; Align-GVGD: "Class C0"). This variant has not been reported in the literature in individuals affected with MARS-related conditions. This sequence change replaces arginine, which is basic and polar, with glutamine, which is neutral and polar, at codon 487 of the MARS protein (p.Arg487Gln).